The following is an entry in ClinVar:

NM_001127222.2(CACNA1A):c.2172+16G>A

Gene: CACNA1A (calcium voltage-gated channel subunit alpha1 A; minus strand). Cytogenetic location: 19p13.13.
Variant type: single nucleotide variant.
Coding change: c.2172+16G>A on transcript NM_001127222.2 (MANE Select); 16 bases into the intron after coding-DNA position 2172, G replaced by A.
Molecular consequence: intron variant.
Genome position (GRCh38, 1-based): chr19:13,303,530, C>T on the plus strand (G>A on the coding strand, the complement: CACNA1A is on the minus strand). VCF-style: chr19-13303530-C-T. GRCh37 (hg19) VCF-style: chr19-13414344-C-T.
Other names: c.2175+16G>A (NM_001127221.2, NM_001174080.2); c.2184+7G>A (NM_000068.4, NM_023035.3).
Identifiers: ClinVar variation 386873 (VCV000386873.9), dbSNP rs895983254, ClinGen allele CA16607737.

ClinVar aggregate classification (germline): Likely benign. Review status: criteria provided, multiple submitters, no conflicts (2 of 4 stars). 2 submissions from 2 submitters: Likely benign (2). Last evaluated 2025-03-01.

Conditions:
Episodic ataxia type 2 (EA2). Also called: ATAXIA, EPISODIC, WITH NYSTAGMUS; ATAXIA, FAMILIAL PAROXYSMAL; CEREBELLAR ATAXIA, PAROXYSMAL, ACETAZOLAMIDE-RESPONSIVE; CEREBELLOPATHY, HEREDITARY PAROXYSMAL; ACETAZOLAMIDE-RESPONSIVE HEREDITARY PAROXYSMAL CEREBELLAR ATAXIA; EPISODIC ATAXIA, NYSTAGMUS-ASSOCIATED. Identifiers: Orphanet 97, MedGen C1720416, MONDO:0007163, OMIM 108500.
Developmental and epileptic encephalopathy, 42 (DEE42A). Also called: DEVELOPMENTAL AND EPILEPTIC ENCEPHALOPATHY 42A; EPILEPTIC ENCEPHALOPATHY, EARLY INFANTILE, 42A; Epileptic encephalopathy, early infantile, 42. Identifiers: MedGen C4310716, MONDO:0014917, OMIM 617106.

Allele frequency attached by ClinVar (database versions not stated): gnomAD exomes below 0.00001.
gnomAD v4.1: 2 of 1,483,640 alleles (0.00013%); highest among the groups gnomAD compares: Non-Finnish European, 0.000091%; no homozygotes.

Submissions (2):

Labcorp Genetics (formerly Invitae), Labcorp
Classification: Likely benign for Developmental and epileptic encephalopathy, 42; Episodic ataxia type 2. Last evaluated: 2025-03-01. Review status: criteria provided, single submitter. Criteria: Invitae Variant Classification Sherloc (09022015). Collection method: clinical testing. Allele origin: germline.

GeneDx
Classification: Likely benign. Last evaluated: 2016-06-14. Review status: criteria provided, single submitter. Criteria: GeneDx Variant Classification (06012015). Collection method: clinical testing. Allele origin: germline. Affected: yes.
Comment: This variant is considered likely benign or benign based on one or more of the following criteria: it is a conservative change, it occurs at a poorly conserved position in the protein, it is predicted to be benign by multiple in silico algorithms, and/or has population frequency not consistent with disease.